The following is an entry in ClinVar:

ClinVar aggregate classification (germline): Uncertain significance. Review status: criteria provided, multiple submitters, no conflicts (2 of 4 stars). 2 submissions from 2 submitters: Uncertain significance (2). Last evaluated 2026-09-01.

gnomAD v4.1: 2 of 1,614,016 alleles (0.00012%); highest among the groups gnomAD compares: Admixed American, 0.0033%; no homozygotes.

Submissions (2):

CeGaT Center for Human Genetics Tuebingen
Classification: Uncertain significance. Last evaluated: 2026-09-01. Review status: criteria provided, single submitter. Criteria: CeGaT Center For Human Genetics Tuebingen Variant Classification Criteria Version 2. Collection method: clinical testing. Allele origin: germline. Affected: yes. Observed: 1 variant allele.
Comment: ZFHX4: PM2, BP4

Ambry Genetics
Classification: Uncertain significance. Last evaluated: 2024-11-26. Review status: criteria provided, single submitter. Criteria: Ambry Variant Classification Scheme 2023. Collection method: clinical testing. Allele origin: germline.

NM_024721.5(ZFHX4):c.140C>A (p.Thr47Lys)

Gene: ZFHX4 (zinc finger homeobox 4; plus strand). Cytogenetic location: 8q21.13.
Variant type: single nucleotide variant.
Coding change: c.140C>A on transcript NM_024721.5 (MANE Select); coding-DNA position 140, C replaced by A.
Protein change: p.Thr47Lys; replaces threonine 47 with lysine.
Molecular consequence: missense variant.
Genome position (GRCh38, 1-based): chr8:76,704,228, C>A. VCF-style: chr8-76704228-C-A. GRCh37 (hg19) VCF-style: chr8-77616463-C-A.
Other names: c.140C>A, p.Thr47Lys (NM_001410934.1); short protein forms T47K.
Identifiers: ClinVar variation 3473237 (VCV003473237.2).